The following is an entry in ClinVar:

NM_130837.3(OPA1):c.2954G>A (p.Gly985Asp)

Gene: OPA1 (OPA1 mitochondrial dynamin like GTPase; plus strand). Cytogenetic location: 3q29.
Variant type: single nucleotide variant.
Coding change: c.2954G>A on transcript NM_130837.3 (MANE Select); coding-DNA position 2954, G replaced by A.
Protein change: p.Gly985Asp; replaces glycine 985 with aspartic acid.
Molecular consequence: missense variant.
Genome position (GRCh38, 1-based): chr3:193,667,251, G>A. VCF-style: chr3-193667251-G-A. GRCh37 (hg19) VCF-style: chr3-193385040-G-A.
Other names: c.2420G>A, p.Gly807Asp (NM_001354663.2); c.2417G>A, p.Gly806Asp (NM_001354664.2); c.2789G>A, p.Gly930Asp (NM_015560.3); c.2681G>A, p.Gly894Asp (NM_130831.3); c.2735G>A, p.Gly912Asp (NM_130832.3); c.2792G>A, p.Gly931Asp (NM_130833.3); c.2843G>A, p.Gly948Asp (NM_130834.3); c.2846G>A, p.Gly949Asp (NM_130835.3); and 1 more; short protein forms G931D, G806D, G930D, G948D, G949D, G807D, G894D, G912D.
Identifiers: ClinVar variation 1410229 (VCV001410229.6), dbSNP rs2109277876, ClinGen allele CA355797716.
Genomic context (GRCh38, chr3:193,667,251, plus strand): 5'-TTAAAGAGGTATTGGAAGATTTTGCTGAAGATGGTGAGAAGAAGATTAAATTGCTTACTG[G>A]TAAACGCGTTCAACTGGCGGAAGACCTCAGTGAGTAGTTCTTACTGCCCTCTACCTTACT-3'
Protein context (NP_570850.2, residues 975-995): DGEKKIKLLT[Gly985Asp]KRVQLAEDLK

ClinVar aggregate classification (germline): Uncertain significance (1 of 4 stars; one submission).

Allele frequency attached by ClinVar (database versions not stated): gnomAD exomes below 0.00001.
gnomAD v4.1: 1 of 1,596,990 alleles (0.000063%); highest among the groups gnomAD compares: Non-Finnish European, 0.000086%; no homozygotes.

Submission:

Labcorp Genetics (formerly Invitae), Labcorp
Classification: Uncertain significance. Last evaluated: 2022-08-09. Review status: criteria provided, single submitter. Criteria: Invitae Variant Classification Sherloc (09022015). Collection method: clinical testing. Allele origin: germline.
Comment: This variant is not present in population databases (gnomAD no frequency). In summary, the available evidence is currently insufficient to determine the role of this variant in disease. Therefore, it has been classified as a Variant of Uncertain Significance. Advanced modeling of protein sequence and biophysical properties (such as structural, functional, and spatial information, amino acid conservation, physicochemical variation, residue mobility, and thermodynamic stability) performed at Invitae indicates that this missense variant is expected to disrupt OPA1 protein function. ClinVar contains an entry for this variant (Variation ID: 1410229). This variant has not been reported in the literature in individuals affected with OPA1-related conditions. This sequence change replaces glycine, which is neutral and non-polar, with aspartic acid, which is acidic and polar, at codon 930 of the OPA1 protein (p.Gly930Asp).